The following is an entry in ClinVar:

ClinVar aggregate classification (germline): Uncertain significance (1 of 4 stars; one submission).

gnomAD v4.1: 13 of 1,614,080 alleles (0.00081%); highest among the groups gnomAD compares: Non-Finnish European, 0.00076%; no homozygotes.

Submission:

Labcorp Genetics (formerly Invitae), Labcorp
Classification: Uncertain significance. Last evaluated: 2024-07-01. Review status: criteria provided, single submitter. Criteria: Invitae Variant Classification Sherloc (09022015). Collection method: clinical testing. Allele origin: germline.
Comment: This sequence change creates a premature translational stop signal (p.Gln801*) in the SLCO5A1 gene. While this is not anticipated to result in nonsense mediated decay, it is expected to disrupt the last 48 amino acid(s) of the SLCO5A1 protein. This variant is present in population databases (rs374822545, gnomAD 0.0009%). This variant has not been reported in the literature in individuals affected with SLCO5A1-related conditions. In summary, the available evidence is currently insufficient to determine the role of this variant in disease. Therefore, it has been classified as a Variant of Uncertain Significance.

NM_030958.3(SLCO5A1):c.2401C>T (p.Gln801Ter)

Gene: SLCO5A1 (solute carrier organic anion transporter family member 5A1; minus strand). Cytogenetic location: 8q13.3.
Variant type: single nucleotide variant.
Coding change: c.2401C>T on transcript NM_030958.3 (MANE Select); coding-DNA position 2401, C replaced by T.
Protein change: p.Gln801Ter; replaces glutamine 801 with a stop codon.
Molecular consequence: nonsense. On other transcripts: 3 prime UTR variant (1).
Genome position (GRCh38, 1-based): chr8:69,673,015, G>A on the plus strand (C>T on the coding strand, the complement: SLCO5A1 is on the minus strand). VCF-style: chr8-69673015-G-A. GRCh37 (hg19) VCF-style: chr8-70585250-G-A.
Other names: c.*272C>T (NM_001146008.2); c.2236C>T, p.Gln746Ter (NM_001146009.1); short protein forms Q746*, Q801*.
Identifiers: ClinVar variation 3699225 (VCV003699225.2).